The following is an entry in ClinVar:

ClinVar aggregate classification (germline): Uncertain significance (1 of 4 stars; one submission).

Conditions:
Inborn genetic diseases. Identifiers: MedGen C0950123, MeSH D030342.

Allele frequency attached by ClinVar (database versions not stated): gnomAD exomes below 0.00001; ExAC 0.00001; gnomAD 0.00001.
gnomAD v4.1: 7 of 1,614,004 alleles (0.00043%); highest among the groups gnomAD compares: South Asian, 0.0033%; no homozygotes.

Submission:

Ambry Genetics
Classification: Uncertain significance for Inborn genetic diseases. Last evaluated: 2022-12-08. Review status: criteria provided, single submitter. Criteria: Ambry Variant Classification Scheme 2023. Collection method: clinical testing. Allele origin: germline.
Comment: The c.2987A>G (p.K996R) alteration is located in exon 14 (coding exon 14) of the JARID2 gene. This alteration results from an A to G substitution at nucleotide position 2987, causing the lysine (K) at amino acid position 996 to be replaced by an arginine (R). Based on data from gnomAD, the G allele has an overall frequency of <0.001% (1/251286) total alleles studied. The highest observed frequency was 0.003% (1/30616) of South Asian alleles. This amino acid position is well conserved in available vertebrate species. This missense alteration is located in a region that has a low rate of benign missense variation (Lek, 2016; Firth, 2009). This alteration is predicted to be tolerated by in silico analysis. Based on insufficient or conflicting evidence, the clinical significance of this alteration remains unclear.

NM_004973.4(JARID2):c.2987A>G (p.Lys996Arg)

Gene: JARID2 (jumonji and AT-rich interaction domain containing 2; plus strand). Cytogenetic location: 6p22.3.
Variant type: single nucleotide variant.
Coding change: c.2987A>G on transcript NM_004973.4 (MANE Select); coding-DNA position 2987, A replaced by G.
Protein change: p.Lys996Arg; replaces lysine 996 with arginine.
Molecular consequence: missense variant.
Genome position (GRCh38, 1-based): chr6:15,512,242, A>G. VCF-style: chr6-15512242-A-G. GRCh37 (hg19) VCF-style: chr6-15512473-A-G.
Other names: c.2471A>G, p.Lys824Arg (NM_001267040.1); short protein forms K996R, K824R.
Identifiers: ClinVar variation 2253640 (VCV002253640.3), dbSNP rs781494356, ClinGen allele CA3643337.